The following is an entry in ClinVar:

ClinVar aggregate classification (germline): Uncertain significance. Review status: criteria provided, multiple submitters, no conflicts (2 of 4 stars). 2 submissions from 2 submitters: Uncertain significance (2). Last evaluated 2024-03-28.

Conditions:
Hereditary cancer-predisposing syndrome. Also called: Hereditary Cancer Syndrome; Hereditary neoplastic syndrome; Neoplastic Syndromes, Hereditary; Tumor predisposition. Identifiers: Orphanet 140162, MedGen C0027672, MeSH D009386, MONDO:0015356.
Rhabdoid tumor predisposition syndrome 2 (RTPS2). Identifiers: Orphanet 231108, Orphanet 69077, MedGen C2750074, MONDO:0013224, OMIM 613325.

Submissions (2):

Labcorp Genetics (formerly Invitae), Labcorp
Classification: Uncertain significance for Rhabdoid tumor predisposition syndrome 2. Last evaluated: 2024-03-28. Review status: criteria provided, single submitter. Criteria: Invitae Variant Classification Sherloc (09022015). Collection method: clinical testing. Allele origin: germline.
Comment: This sequence change replaces threonine, which is neutral and polar, with asparagine, which is neutral and polar, at codon 401 of the SMARCA4 protein (p.Thr401Asn). This variant is not present in population databases (gnomAD no frequency). This variant has not been reported in the literature in individuals affected with SMARCA4-related conditions. ClinVar contains an entry for this variant (Variation ID: 1747834). Advanced modeling of protein sequence and biophysical properties (such as structural, functional, and spatial information, amino acid conservation, physicochemical variation, residue mobility, and thermodynamic stability) performed at Invitae indicates that this missense variant is not expected to disrupt SMARCA4 protein function with a negative predictive value of 95%. In summary, the available evidence is currently insufficient to determine the role of this variant in disease. Therefore, it has been classified as a Variant of Uncertain Significance.

Ambry Genetics
Classification: Uncertain significance for Hereditary cancer-predisposing syndrome. Last evaluated: 2021-11-30. Review status: criteria provided, single submitter. Criteria: Ambry Variant Classification Scheme 2023. Collection method: clinical testing. Allele origin: germline.
Comment: The p.T401N variant (also known as c.1202C>A), located in coding exon 6 of the SMARCA4 gene, results from a C to A substitution at nucleotide position 1202. The threonine at codon 401 is replaced by asparagine, an amino acid with similar properties. This amino acid position is well conserved in available vertebrate species. In addition, this alteration is predicted to be tolerated by in silico analysis. Missense and in-frame variants in SMARCA4 are known to cause neurodevelopmental disorders; however, such associations with rhabdoid tumor predisposition syndrome including small cell carcinoma of the ovary-hypercalcemic type (SCCOHT) are exceedingly rare (Kosho T et al. Am J Med Genet C Semin Med Genet. 2014 Sep;166C(3):262-75; Jelinic P et al. Nat Genet. 2014 May;46(5):424-6). Based on the supporting evidence, the association of this alteration with Coffin-Siris syndrome is unknown; however, the association of this alteration with rhabdoid tumor predisposition syndrome is unlikely.

NM_003072.5(SMARCA4):c.1202C>A (p.Thr401Asn)

Gene: SMARCA4 (SWI/SNF related BAF chromatin remodeling complex subunit ATPase 4; plus strand). Cytogenetic location: 19p13.2.
Variant type: single nucleotide variant.
Coding change: c.1202C>A on transcript NM_003072.5 (MANE Select); coding-DNA position 1202, C replaced by A.
Protein change: p.Thr401Asn; replaces threonine 401 with asparagine.
Molecular consequence: missense variant. On other transcripts: non-coding transcript variant (1).
Genome position (GRCh38, 1-based): chr19:10,989,400, C>A. VCF-style: chr19-10989400-C-A. GRCh37 (hg19) VCF-style: chr19-11100076-C-A.
Other names: c.1202C>A, p.Thr401Asn (NM_001128844.3, NM_001128845.2, NM_001128846.2 and 6 more transcripts); short protein forms T401N.
Identifiers: ClinVar variation 1747834 (VCV001747834.4), dbSNP rs2145849055, ClinGen allele CA404059674.